The following is an entry in ClinVar:

NM_004656.4(BAP1):c.273T>G (p.Cys91Trp)

Gene: BAP1 (BRCA1 associated deubiquitinase 1; minus strand). Cytogenetic location: 3p21.1.
Variant type: single nucleotide variant.
Coding change: c.273T>G on transcript NM_004656.4 (MANE Select); coding-DNA position 273, T replaced by G.
Protein change: p.Cys91Trp; replaces cysteine 91 with tryptophan.
Molecular consequence: missense variant.
Genome position (GRCh38, 1-based): chr3:52,408,060, A>C on the plus strand (T>G on the coding strand, the complement: BAP1 is on the minus strand). VCF-style: chr3-52408060-A-C. GRCh37 (hg19) VCF-style: chr3-52442076-A-C.
Other names: c.273T>G, p.Cys91Trp (NM_001410772.1); short protein forms C91W.
Identifiers: ClinVar variation 1715279 (VCV001715279.6), dbSNP rs2153228144, ClinGen allele CA353112600.

ClinVar aggregate classification (germline): Uncertain significance (1 of 4 stars; one submission).

Conditions:
BAP1-related tumor predisposition syndrome (TPDS1). Also called: BAP1 tumor predisposition syndrome; Tumor susceptibility linked to germline BAP1 mutations; COMMON Syndrome; TUMOR PREDISPOSITION SYNDROME 1. Identifiers: Orphanet 289539, MedGen C3280492, MONDO:0013692, OMIM 614327.

Submission:

Labcorp Genetics (formerly Invitae), Labcorp
Classification: Uncertain significance for BAP1-related tumor predisposition syndrome. Last evaluated: 2022-08-06. Review status: criteria provided, single submitter. Criteria: Invitae Variant Classification Sherloc (09022015). Collection method: clinical testing. Allele origin: germline.
Comment: In summary, the available evidence is currently insufficient to determine the role of this variant in disease. Therefore, it has been classified as a Variant of Uncertain Significance. This sequence change replaces cysteine, which is neutral and slightly polar, with tryptophan, which is neutral and slightly polar, at codon 91 of the BAP1 protein (p.Cys91Trp). This variant is not present in population databases (gnomAD no frequency). This variant has not been reported in the literature in individuals affected with BAP1-related conditions. Algorithms developed to predict the effect of missense changes on protein structure and function (SIFT, PolyPhen-2, Align-GVGD) all suggest that this variant is likely to be disruptive.